The following is an entry in ClinVar:

ClinVar aggregate classification (germline): Uncertain significance (1 of 4 stars; one submission).

Conditions:
Joubert syndrome. Also called: CEREBELLOPARENCHYMAL DISORDER IV; JOUBERT-BOLTSHAUSER SYNDROME; Familial aplasia of the vermis. Identifiers: Orphanet 475, MedGen C5979921, MONDO:0018772.
Meckel-Gruber syndrome. Also called: DYSENCEPHALIA SPLANCHNOCYSTICA; GRUBER SYNDROME; Dysencephalia splachnocystica. Identifiers: Orphanet 564, MedGen C0265215, MONDO:0018921.

Allele frequency attached by ClinVar (database versions not stated): ExAC 0.00001; gnomAD 0.00001; 1000 Genomes Project 30x 0.00016; 1000 Genomes Project 0.00020.
gnomAD v4.1: 1 of 1,614,022 alleles (0.000062%); highest among the groups gnomAD compares: Non-Finnish European, 0.000085%; no homozygotes.

Submission:

Labcorp Genetics (formerly Invitae), Labcorp
Classification: Uncertain significance for Joubert syndrome; Meckel-Gruber syndrome. Last evaluated: 2025-01-27. Review status: criteria provided, single submitter. Criteria: Invitae Variant Classification Sherloc (09022015). Collection method: clinical testing. Allele origin: germline.
Comment: This sequence change replaces aspartic acid, which is acidic and polar, with valine, which is neutral and non-polar, at codon 1166 of the RPGRIP1L protein (p.Asp1166Val). This variant is present in population databases (rs202068222, gnomAD 0.0009%). This variant has not been reported in the literature in individuals affected with RPGRIP1L-related conditions. ClinVar contains an entry for this variant (Variation ID: 2133253). Invitae Evidence Modeling of protein sequence and biophysical properties (such as structural, functional, and spatial information, amino acid conservation, physicochemical variation, residue mobility, and thermodynamic stability) indicates that this missense variant is expected to disrupt RPGRIP1L protein function with a positive predictive value of 80%. In summary, the available evidence is currently insufficient to determine the role of this variant in disease. Therefore, it has been classified as a Variant of Uncertain Significance.

NM_015272.5(RPGRIP1L):c.3497A>T (p.Asp1166Val)

Gene: RPGRIP1L (RPGRIP1 like; minus strand). Cytogenetic location: 16q12.2.
Variant type: single nucleotide variant.
Coding change: c.3497A>T on transcript NM_015272.5 (MANE Select); coding-DNA position 3497, A replaced by T.
Protein change: p.Asp1166Val; replaces aspartic acid 1166 with valine.
Molecular consequence: missense variant.
Genome position (GRCh38, 1-based): chr16:53,619,144, T>A on the plus strand (A>T on the coding strand, the complement: RPGRIP1L is on the minus strand). VCF-style: chr16-53619144-T-A. GRCh37 (hg19) VCF-style: chr16-53653056-T-A.
Other names: c.3257A>T, p.Asp1086Val (NM_001127897.4); c.3359A>T, p.Asp1120Val (NM_001308334.3); c.3395A>T, p.Asp1132Val (NM_001330538.2); short protein forms D1132V, D1166V, D1120V, D1086V.
Identifiers: ClinVar variation 2133253 (VCV002133253.4), dbSNP rs202068222, ClinGen allele CA8057269.